The following is an entry in ClinVar:

NM_004563.4(PCK2):c.1234+26A>T

Genes: NRL (neural retina leucine zipper; minus strand), PCK2 (phosphoenolpyruvate carboxykinase 2, mitochondrial; plus strand). Cytogenetic location: 14q12.
Variant type: single nucleotide variant.
Coding change: c.1234+26A>T on transcript NM_004563.4 (MANE Select); 26 bases into the intron after coding-DNA position 1234, A replaced by T.
Molecular consequence: intron variant. On other transcripts: synonymous variant (1).
Genome position (GRCh38, 1-based): chr14:24,100,239, A>T. VCF-style: chr14-24100239-A-T. GRCh37 (hg19) VCF-style: chr14-24569448-A-T.
Other names: c.1260A>T, p.Ala420= (NM_001018073.3); c.-28+14483T>A (NM_001354768.3, NM_001354770.2); c.-254+14483T>A (NM_006177.5); c.832+26A>T (NM_001308054.2, NM_001291556.2).
Identifiers: ClinVar variation 3032103 (VCV003032103.2), dbSNP rs2502652983, ClinGen allele CA961113385.

ClinVar aggregate classification (germline): Likely benign (0 of 4 stars; one submission).

Conditions:
PCK2-related disorder. Also called: PCK2-related condition.

Allele frequency attached by ClinVar (database versions not stated): gnomAD exomes below 0.00001.

Submission:

PreventionGenetics, part of Exact Sciences
Classification: Likely benign for PCK2-related condition. Last evaluated: 2023-01-11. Review status: no assertion criteria provided. Collection method: clinical testing. Allele origin: germline.
Comment: This variant is classified as likely benign based on ACMG/AMP sequence variant interpretation guidelines (Richards et al. 2015 PMID: 25741868, with internal and published modifications).